The following is an entry in ClinVar:

ClinVar aggregate classification (germline): Uncertain significance. Review status: criteria provided, multiple submitters, no conflicts (2 of 4 stars). 3 submissions from 3 submitters: Uncertain significance (3). Last evaluated 2024-10-31.

Conditions:
Nemaline myopathy 10 (NEM10). Identifiers: MedGen C4015360, MONDO:0014513, OMIM 616165.

Allele frequency attached by ClinVar (database versions not stated): gnomAD exomes below 0.00001; TOPMed below 0.00001.
gnomAD v4.1: 2 of 1,614,006 alleles (0.00012%); highest among the groups gnomAD compares: Non-Finnish European, 0.00017%; no homozygotes.

Submissions (3):

Women's Health and Genetics/Laboratory Corporation of America, LabCorp
Classification: Uncertain significance. Last evaluated: 2024-10-31. Review status: criteria provided, single submitter. Criteria: LabCorp Variant Classification Summary - May 2015. Collection method: clinical testing. Allele origin: germline.
Comment: Variant summary: LMOD3 c.671A>G (p.Asp224Gly) results in a non-conservative amino acid change in the encoded protein sequence. Three of five in-silico tools predict a benign effect of the variant on protein function. The variant was absent in 249154 control chromosomes. The available data on variant occurrences in the general population are insufficient to allow any conclusion about variant significance. To our knowledge, no occurrence of c.671A>G in individuals affected with Nemaline Myopathy 10 and no experimental evidence demonstrating its impact on protein function have been reported. ClinVar contains an entry for this variant (Variation ID: 475331). Based on the evidence outlined above, the variant was classified as uncertain significance.

GeneDx
Classification: Uncertain significance. Last evaluated: 2023-05-02. Review status: criteria provided, single submitter. Criteria: GeneDx Variant Classification Process June 2021. Collection method: clinical testing. Allele origin: germline. Affected: yes.
Comment: Not observed at significant frequency in large population cohorts (gnomAD); In silico analysis supports that this missense variant does not alter protein structure/function; Has not been previously published as pathogenic or benign to our knowledge

Labcorp Genetics (formerly Invitae), Labcorp
Classification: Uncertain significance for Nemaline myopathy 10. Last evaluated: 2022-06-27. Review status: criteria provided, single submitter. Criteria: Invitae Variant Classification Sherloc (09022015). Collection method: clinical testing. Allele origin: germline.
Comment: This sequence change replaces aspartic acid, which is acidic and polar, with glycine, which is neutral and non-polar, at codon 224 of the LMOD3 protein (p.Asp224Gly). This variant is not present in population databases (gnomAD no frequency). This variant has not been reported in the literature in individuals affected with LMOD3-related conditions. ClinVar contains an entry for this variant (Variation ID: 475331). Algorithms developed to predict the effect of missense changes on protein structure and function (SIFT, PolyPhen-2, Align-GVGD) all suggest that this variant is likely to be tolerated. In summary, the available evidence is currently insufficient to determine the role of this variant in disease. Therefore, it has been classified as a Variant of Uncertain Significance.

NM_198271.5(LMOD3):c.671A>G (p.Asp224Gly)

Gene: LMOD3 (leiomodin 3; minus strand). Cytogenetic location: 3p14.1.
Variant type: single nucleotide variant.
Coding change: c.671A>G on transcript NM_198271.5 (MANE Select); coding-DNA position 671, A replaced by G.
Protein change: p.Asp224Gly; replaces aspartic acid 224 with glycine.
Molecular consequence: missense variant.
Genome position (GRCh38, 1-based): chr3:69,119,684, T>C on the plus strand (A>G on the coding strand, the complement: LMOD3 is on the minus strand). VCF-style: chr3-69119684-T-C. GRCh37 (hg19) VCF-style: chr3-69168835-T-C.
Other names: c.671A>G, p.Asp224Gly (NM_001304418.3); short protein forms D224G.
Identifiers: ClinVar variation 475331 (VCV000475331.8), dbSNP rs898638017, ClinGen allele CA76453508.